The following is an entry in ClinVar:

NM_001384140.1(PCDH15):c.3555A>G (p.Ile1185Met)

Gene: PCDH15 (protocadherin related 15; minus strand). Cytogenetic location: 10q21.1.
Variant type: single nucleotide variant.
Coding change: c.3555A>G on transcript NM_001384140.1 (MANE Select); coding-DNA position 3555, A replaced by G.
Protein change: p.Ile1185Met; replaces isoleucine 1185 with methionine.
Molecular consequence: missense variant.
Genome position (GRCh38, 1-based): chr10:53,866,804, T>C on the plus strand (A>G on the coding strand, the complement: PCDH15 is on the minus strand). VCF-style: chr10-53866804-T-C. GRCh37 (hg19) VCF-style: chr10-55626564-T-C.
Other names: c.3576A>G, p.Ile1192Met (NM_001354411.2); c.3555A>G, p.Ile1185Met (NM_001354420.2, NM_001354429.2, NM_033056.4 and 4 more transcripts); c.3570A>G, p.Ile1190Met (NM_001142763.2, NM_001142771.2); c.3342A>G, p.Ile1114Met (NM_001142765.2); c.3444A>G, p.Ile1148Met (NM_001142767.2); c.3489A>G, p.Ile1163Met (NM_001142768.2, NM_001142773.2, NM_001354404.2); c.3591A>G, p.Ile1197Met (NM_001142769.4); short protein forms I1148M, I1163M, I1192M, I1114M, I1197M, I1185M, I1190M.
Identifiers: ClinVar variation 878950 (VCV000878950.9), dbSNP rs773283153, ClinGen allele CA5505613.
Genomic context (GRCh38, chr10:53,866,804, plus strand): 5'-TTTGATAAGCCCTGTATATGTTTCCACTACAAATCCTTCTTTTCCCTCTTTAATTGGTGG[T>C]ATTATGAGTCTGTAGGCCATGACACTATAATTGCCAGTATCTTTATCAGTAGCCTAGACG-3'
Protein context (NP_001371069.1, residues 1175-1195): NYSVMAYRLI[Ile1185Met]PPIKEGKEGF

ClinVar aggregate classification (germline): Conflicting classifications of pathogenicity. Review status: criteria provided, conflicting classifications (1 of 4 stars). 5 submissions from 5 submitters: Uncertain significance (4); Likely benign (1). Last evaluated 2026-05-11.

Conditions:
Usher syndrome type 1 (USH1). Also called: RETINITIS PIGMENTOSA AND CONGENITAL DEAFNESS. Identifiers: Orphanet 231169, Orphanet 886, MedGen C1568247, MONDO:0010168, OMIM 276900.
Autosomal recessive nonsyndromic hearing loss 23. Identifiers: Orphanet 90636, MedGen C1836027, MONDO:0012293, OMIM 609533.
Usher syndrome type 1D (USH1D). Also called: USHER SYNDROME, TYPE ID. Identifiers: Orphanet 231169, Orphanet 886, MedGen C1832845, MONDO:0010984, OMIM 601067.
Usher syndrome type 1F (USH1F). Also called: USHER SYNDROME, TYPE IF. Identifiers: Orphanet 231169, Orphanet 886, MedGen C1865885, MONDO:0011186, OMIM 602083.
PCDH15-related disorder. Also called: PCDH15-related disorders; PCDH15-related condition.

Allele frequency attached by ClinVar (database versions not stated): gnomAD 0.00006 and 0.00007; gnomAD exomes 0.00006 and 0.00013; ExAC 0.00010; TOPMed 0.00011.
gnomAD v4.1: 89 of 1,613,414 alleles (0.0055%); highest among the groups gnomAD compares: East Asian, 0.19%; 1 homozygote.

Submissions (5):

PreventionGenetics, part of Exact Sciences
Classification: Uncertain significance for PCDH15-related condition. Last evaluated: 2026-05-11. Review status: criteria provided, single submitter. Criteria: ACMG Guidelines, 2015. Collection method: clinical testing. Allele origin: germline.
Comment: The PCDH15 c.3555A>G variant is predicted to result in the amino acid substitution p.Ile1185Met. This variant was previously reported in a large cohort of individuals with hearing loss (supplementary data, reported as p.Ile1190Met in Usami et al. 2022. PubMed ID: 34599366). However, this variant is reported in 0.17% of alleles in individuals of East Asian descent in gnomAD, which may be too frequent to be a primary cause of disease. Although we suspect that this variant may be benign, at this time, the clinical significance of this variant is uncertain due to the absence of conclusive functional and genetic evidence.

Labcorp Genetics (formerly Invitae), Labcorp
Classification: Likely benign. Last evaluated: 2026-01-28. Review status: criteria provided, single submitter. Criteria: Invitae Variant Classification Sherloc (09022015). Collection method: clinical testing. Allele origin: germline.

Blueprint Genetics
Classification: Uncertain significance. Last evaluated: 2021-11-16. Review status: criteria provided, single submitter. Criteria: ACMG Guidelines, 2015. Collection method: clinical testing. Allele origin: germline.

Fulgent Genetics
Classification: Uncertain significance for Usher syndrome type 1D; Usher syndrome type 1F; Autosomal recessive nonsyndromic hearing loss 23. Last evaluated: 2021-07-20. Review status: criteria provided, single submitter. Criteria: ACMG Guidelines, 2015. Collection method: clinical testing. Allele origin: unknown.

Illumina Laboratory Services, Illumina
Classification: Uncertain significance for Usher syndrome type 1. Last evaluated: 2018-01-13. Review status: criteria provided, single submitter. Criteria: ICSL Variant Classification Criteria 13 December 2019. Collection method: clinical testing. Allele origin: germline.